The following is an entry in ClinVar:

NM_000143.4(FH):c.777G>A (p.Met259Ile)

Gene: FH (fumarate hydratase; minus strand). Cytogenetic location: 1q43.
Variant type: single nucleotide variant.
Coding change: c.777G>A on transcript NM_000143.4 (MANE Select); coding-DNA position 777, G replaced by A.
Protein change: p.Met259Ile; replaces methionine 259 with isoleucine.
Molecular consequence: missense variant.
Genome position (GRCh38, 1-based): chr1:241,506,130, C>T on the plus strand (G>A on the coding strand, the complement: FH is on the minus strand). VCF-style: chr1-241506130-C-T. GRCh37 (hg19) VCF-style: chr1-241669430-C-T.
Other names: c.777G>A (NM_000143.3); short protein forms M259I.
Identifiers: ClinVar variation 1376217 (VCV001376217.7), dbSNP rs1044975651, ClinGen allele CA40328249.

ClinVar aggregate classification (germline): Uncertain significance. Review status: criteria provided, multiple submitters, no conflicts (2 of 4 stars). 2 submissions from 2 submitters: Uncertain significance (2). Last evaluated 2026-01-17.

Conditions:
Hereditary cancer-predisposing syndrome. Also called: Neoplastic Syndromes, Hereditary; Hereditary Cancer Syndrome; Tumor predisposition; Hereditary neoplastic syndrome. Identifiers: Orphanet 140162, MedGen C0027672, MeSH D009386, MONDO:0015356.

Allele frequency attached by ClinVar (database versions not stated): gnomAD exomes below 0.00001.
gnomAD v4.1: 3 of 1,613,856 alleles (0.00019%); highest among the groups gnomAD compares: Non-Finnish European, 0.00025%; no homozygotes.

Submissions (2):

Labcorp Genetics (formerly Invitae), Labcorp
Classification: Uncertain significance. Last evaluated: 2026-01-17. Review status: criteria provided, single submitter. Criteria: Invitae Variant Classification Sherloc (09022015). Collection method: clinical testing. Allele origin: germline.
Comment: This sequence change replaces methionine, which is neutral and non-polar, with isoleucine, which is neutral and non-polar, at codon 259 of the FH protein (p.Met259Ile). This variant is not present in population databases (gnomAD no frequency). This variant has not been reported in the literature in individuals affected with FH-related conditions. ClinVar contains an entry for this variant (Variation ID: 1376217). Invitae Evidence Modeling of protein sequence and biophysical properties (such as structural, functional, and spatial information, amino acid conservation, physicochemical variation, residue mobility, and thermodynamic stability) indicates that this missense variant is not expected to disrupt FH protein function with a negative predictive value of 95%. In summary, the available evidence is currently insufficient to determine the role of this variant in disease. Therefore, it has been classified as a Variant of Uncertain Significance.

Ambry Genetics
Classification: Uncertain significance for Hereditary cancer-predisposing syndrome. Last evaluated: 2023-03-31. Review status: criteria provided, single submitter. Criteria: Ambry Variant Classification Scheme 2023. Collection method: clinical testing. Allele origin: germline.
Comment: The p.M259I variant (also known as c.777G>A), located in coding exon 6 of the FH gene, results from a G to A substitution at nucleotide position 777. The methionine at codon 259 is replaced by isoleucine, an amino acid with highly similar properties. This amino acid position is not well conserved in available vertebrate species. In addition, this alteration is predicted to be tolerated by in silico analysis. Since supporting evidence is limited at this time, the clinical significance of this alteration remains unclear.